The following is an entry in ClinVar:

NM_002972.4(SBF1):c.4499G>A (p.Gly1500Glu)

Gene: SBF1 (SET binding factor 1; minus strand). Cytogenetic location: 22q13.33.
Variant type: single nucleotide variant.
Coding change: c.4499G>A on transcript NM_002972.4 (MANE Select); coding-DNA position 4499, G replaced by A.
Protein change: p.Gly1500Glu; replaces glycine 1500 with glutamic acid.
Molecular consequence: missense variant.
Genome position (GRCh38, 1-based): chr22:50,455,279, C>T on the plus strand (G>A on the coding strand, the complement: SBF1 is on the minus strand). VCF-style: chr22-50455279-C-T. GRCh37 (hg19) VCF-style: chr22-50893708-C-T.
Other names: c.4499G>A, p.Gly1500Glu (NM_197971.1); c.4424G>A, p.Gly1475Glu (NM_001365819.1); c.4502G>A, p.Gly1501Glu (NM_001410794.1); c.4421G>A, p.Gly1474Glu (NM_001410795.1); short protein forms G1475E, G1500E, G1474E, G1501E.
Identifiers: ClinVar variation 2167240 (VCV002167240.5), dbSNP rs760137821, ClinGen allele CA10316243.

ClinVar aggregate classification (germline): Uncertain significance. Review status: criteria provided, multiple submitters, no conflicts (2 of 4 stars). 2 submissions from 2 submitters: Uncertain significance (2). Last evaluated 2023-03-08.

Allele frequency attached by ClinVar (database versions not stated): gnomAD 0.00002.
gnomAD v4.1: 28 of 1,613,342 alleles (0.0017%); highest among the groups gnomAD compares: South Asian, 0.031%; no homozygotes.

Submissions (2):

Blueprint Genetics
Classification: Uncertain significance. Last evaluated: 2023-03-08. Review status: criteria provided, single submitter. Criteria: ACMG Guidelines, 2015. Collection method: clinical testing. Allele origin: germline.

Labcorp Genetics (formerly Invitae), Labcorp
Classification: Uncertain significance. Last evaluated: 2021-12-24. Review status: criteria provided, single submitter. Criteria: Invitae Variant Classification Sherloc (09022015). Collection method: clinical testing. Allele origin: germline.
Comment: In summary, the available evidence is currently insufficient to determine the role of this variant in disease. Therefore, it has been classified as a Variant of Uncertain Significance. Algorithms developed to predict the effect of missense changes on protein structure and function are either unavailable or do not agree on the potential impact of this missense change (SIFT: "Tolerated"; PolyPhen-2: "Possibly Damaging"; Align-GVGD: "Class C0"). This variant has not been reported in the literature in individuals affected with SBF1-related conditions. This variant is present in population databases (rs760137821, gnomAD 0.03%). This sequence change replaces glycine, which is neutral and non-polar, with glutamic acid, which is acidic and polar, at codon 1500 of the SBF1 protein (p.Gly1500Glu).